The following is an entry in ClinVar:

NM_001042492.3(NF1):c.6397_6398del (p.Leu2133fs)

Gene: NF1 (neurofibromin 1; plus strand). Cytogenetic location: 17q11.2.
Variant type: Microsatellite.
Coding change: c.6397_6398del on transcript NM_001042492.3 (MANE Select); coding-DNA positions 6397 to 6398, 2 bases deleted (CT; older notation c.6397_6398delCT).
Protein change: p.Leu2133fs; shifts the reading frame from leucine 2133.
Molecular consequence: frameshift variant.
Genome position (GRCh38, 1-based): chr17:31,336,884-31,336,885, CT deleted; deleting any 2 consecutive bases within chr17:31,336,880-31,336,885 gives the same sequence; the c. name uses the placement nearest the transcript's 3' end. VCF-style (leftmost placement, unchanged base first): chr17-31336879-ACT-A. GRCh37 (hg19) VCF-style: chr17-29663897-ACT-A.
Other names: c.6330_6331CT[2], p.Leu2112Valfs (NM_000267.4); c.6334_6335delCT (NM_000267.3); short protein forms L2112fs, L2133fs.
Identifiers: ClinVar variation 577771 (VCV000577771.13), dbSNP rs1567617129, ClinGen allele CA891844404.

ClinVar aggregate classification (germline): Pathogenic. Review status: criteria provided, multiple submitters, no conflicts (2 of 4 stars). 4 submissions from 4 submitters: Pathogenic (4). Last evaluated 2024-07-05.

Conditions:
Cardiovascular phenotype. Identifiers: MedGen CN230736.
Hereditary cancer-predisposing syndrome. Also called: Hereditary neoplastic syndrome; Tumor predisposition; Hereditary Cancer Syndrome; Neoplastic Syndromes, Hereditary. Identifiers: Orphanet 140162, MedGen C0027672, MeSH D009386, MONDO:0015356.
Neurofibromatosis, type 1 (NF1). Also called: Peripheral type neurofibromatosis; Neurofibromatosis, type I; VON RECKLINGHAUSEN DISEASE; NEUROFIBROMATOSIS, TYPE I, SOMATIC. Identifiers: Orphanet 636, MedGen C0027831, MONDO:0018975, OMIM 162200. Disease mechanism: loss of function.

Submissions (4):

GeneDx
Classification: Pathogenic. Last evaluated: 2024-07-05. Review status: criteria provided, single submitter. Criteria: GeneDx Variant Classification Process June 2021. Collection method: clinical testing. Allele origin: germline. Affected: yes.
Comment: Frameshift variant predicted to result in protein truncation or nonsense mediated decay in a gene for which loss of function is a known mechanism of disease; Not observed at significant frequency in large population cohorts (gnomAD); This variant is associated with the following publications: (PMID: 23913538, 23656349, 10712197, 27838393)

Ambry Genetics
Classification: Pathogenic for Cardiovascular phenotype; Hereditary cancer-predisposing syndrome. Last evaluated: 2022-09-30. Review status: criteria provided, single submitter. Criteria: Ambry Variant Classification Scheme 2023. Collection method: clinical testing. Allele origin: germline.
Comment: The c.6334_6335delCT pathogenic mutation, located in coding exon 41 of the NF1 gene, results from a deletion of two nucleotides at nucleotide positions 6334 to 6335, causing a translational frameshift with a predicted alternate stop codon (p.L2112Vfs*9). This mutation has been detected in individuals with a clinical diagnosis or suspicion of neurofibromatosis type 1 (van Minkelen R et al. Clin Genet, 2014 Apr;85:318-27; Cal&igrave; F et al. Eur J Med Genet, 2017 Feb;60:93-99; Ambry internal data). This alteration is expected to result in loss of function by premature protein truncation or nonsense-mediated mRNA decay. As such, this alteration is interpreted as a disease-causing mutation.

Genome-Nilou Lab
Classification: Pathogenic for Neurofibromatosis, type 1. Last evaluated: 2022-03-15. Review status: criteria provided, single submitter. Criteria: ACMG Guidelines, 2015. Collection method: clinical testing. Allele origin: germline. Affected: no.

Labcorp Genetics (formerly Invitae), Labcorp
Classification: Pathogenic for Neurofibromatosis, type 1. Last evaluated: 2019-08-13. Review status: criteria provided, single submitter. Criteria: Invitae Variant Classification Sherloc (09022015). Collection method: clinical testing. Allele origin: germline.
Comment: Loss-of-function variants in NF1 are known to be pathogenic (PMID: 10712197, 23913538). This variant has been reported in individuals affected with neurofibromatosis, type 1 (PMID: 27838393). ClinVar contains an entry for this variant (Variation ID: 577771). This variant is not present in population databases (ExAC no frequency). This sequence change creates a premature translational stop signal (p.Leu2112Valfs*9) in the NF1 gene. It is expected to result in an absent or disrupted protein product. For these reasons, this variant has been classified as Pathogenic.

Literature cited by the submitters: PubMed 10712197 (cited by Labcorp Genetics (formerly Invitae), Labcorp); PubMed 23913538 (cited by Labcorp Genetics (formerly Invitae), Labcorp); PubMed 27838393 (cited by Labcorp Genetics (formerly Invitae), Labcorp).